The following is an entry in ClinVar:

NM_001323289.2(CDKL5):c.463+5G>A

Gene: CDKL5 (cyclin dependent kinase like 5; plus strand). Cytogenetic location: Xp22.13.
Variant type: single nucleotide variant.
Coding change: c.463+5G>A on transcript NM_001323289.2 (MANE Select); 5 bases into the intron after coding-DNA position 463, G replaced by A.
Molecular consequence: intron variant.
Genome position (GRCh38, 1-based): chrX:18,581,955, G>A. VCF-style: chrX-18581955-G-A. GRCh37 (hg19) VCF-style: chrX-18600075-G-A.
Other names: c.463+5G>A (NM_003159.3, NM_001037343.2, NM_003159.2).
Identifiers: ClinVar variation 871041 (VCV000871041.42), dbSNP rs886042303, ClinGen allele CA1139667238.
Genomic context (GRCh38, chrX:18,581,955, plus strand): 5'-AAAACCAGAAAATCTCTTAATCAGCCACAATGATGTCCTAAAACTGTGTGACTTTGGTAA[G>A]TTAAAAAGAAATTAAGTCCTGGTACTTACAGAATTAATTTATTGTAACACATAGGTAGCT-3'

ClinVar aggregate classification (germline): Pathogenic. Review status: criteria provided, multiple submitters, no conflicts (2 of 4 stars). 2 submissions from 2 submitters: Pathogenic (2). Last evaluated 2022-12-16.

Conditions:
Developmental and epileptic encephalopathy, 2 (DEE2). Also called: INFANTILE SPASM SYNDROME, X-LINKED 2; CDKL5 deficiency disorder. Identifiers: Orphanet 1934, Orphanet 3451, Orphanet 505652, MedGen C4750718, MONDO:0010396, OMIM 300672.

Submissions (2):

Laboratory of Medical Genetics, National & Kapodistrian University of Athens
Classification: Pathogenic for Developmental and epileptic encephalopathy, 2. Last evaluated: 2022-12-16. Review status: criteria provided, single submitter. Criteria: ACMG Guidelines, 2015. Collection method: clinical testing. Allele origin: germline. Affected: yes.
Comment: PS3, PM2, PP3, PP5

CeGaT Center for Human Genetics Tuebingen
Classification: Pathogenic. Last evaluated: 2019-01-01. Review status: criteria provided, single submitter. Criteria: CeGaT Center For Human Genetics Tuebingen Variant Classification Criteria Version 2. Collection method: clinical testing. Allele origin: germline. Affected: yes. Observed: 1 variant allele.